The following is an entry in ClinVar:

NM_014727.3(KMT2B):c.3190C>A (p.Pro1064Thr)

Gene: KMT2B (lysine methyltransferase 2B; plus strand). Cytogenetic location: 19q13.12.
Variant type: single nucleotide variant.
Coding change: c.3190C>A on transcript NM_014727.3 (MANE Select); coding-DNA position 3190, C replaced by A.
Protein change: p.Pro1064Thr; replaces proline 1064 with threonine.
Molecular consequence: missense variant.
Genome position (GRCh38, 1-based): chr19:35,723,863, C>A. VCF-style: chr19-35723863-C-A. GRCh37 (hg19) VCF-style: chr19-36214764-C-A.
Other names: c.3190C>A (NM_014727.1); short protein forms P1064T.
Identifiers: ClinVar variation 1696764 (VCV001696764.7), dbSNP rs1350666277, ClinGen allele CA405404488.

ClinVar aggregate classification (germline): Conflicting classifications of pathogenicity. Review status: criteria provided, conflicting classifications (1 of 4 stars). 4 submissions from 4 submitters: Uncertain significance (3); Likely benign (1). Last evaluated 2025-12-16.

Conditions:
Inborn genetic diseases. Identifiers: MedGen C0950123, MeSH D030342.
Dystonia 28, childhood-onset (DYT28). Also called: KMT2B-Related Dystonia (DYT-KMT2B). Identifiers: Orphanet 589618, MedGen C4310633, MONDO:0015004, OMIM 617284.

Allele frequency attached by ClinVar (database versions not stated): gnomAD exomes below 0.00001; gnomAD 0.00001 and 0.00002; TOPMed 0.00005.
gnomAD v4.1: 6 of 1,606,960 alleles (0.00037%); highest among the groups gnomAD compares: Admixed American, 0.0034%; no homozygotes.

Submissions (4):

Labcorp Genetics (formerly Invitae), Labcorp
Classification: Likely benign. Last evaluated: 2025-12-16. Review status: criteria provided, single submitter. Criteria: Invitae Variant Classification Sherloc (09022015). Collection method: clinical testing. Allele origin: germline.

Women's Health and Genetics/Laboratory Corporation of America, LabCorp
Classification: Uncertain significance. Last evaluated: 2025-12-04. Review status: criteria provided, single submitter. Criteria: LabCorp Variant Classification Summary - May 2015. Collection method: clinical testing. Allele origin: germline.
Comment: Variant summary: KMT2B c.3190C>A (p.Pro1064Thr) results in a non-conservative amino acid change in the encoded protein sequence. Algorithms developed to predict the effect of missense changes on protein structure and function are either unavailable or do not agree on the potential impact of this missense change. The variant allele was found at a frequency of 3.7e-06 in 1606960 control chromosomes in the gnomAD database. The occurrence in several carriers suggests that the variant is not causal for a dominant, high penetrance, severe, early onset disease phenotype. To our knowledge, no occurrence of c.3190C>A in individuals affected with KMT2B-related conditions and no experimental evidence demonstrating its impact on protein function have been reported. ClinVar contains an entry for this variant (Variation ID: 1696764). Based on the evidence outlined above, the variant was classified as VUS-possibly benign.

Ambry Genetics
Classification: Uncertain significance for Inborn genetic diseases. Last evaluated: 2021-08-10. Review status: criteria provided, single submitter. Criteria: Ambry Variant Classification Scheme 2023. Collection method: clinical testing. Allele origin: germline.

New York Genome Center
Classification: Uncertain significance for Dystonia 28, childhood-onset. Last evaluated: 2021-06-23. Review status: criteria provided, single submitter. Criteria: NYGC Assertion Criteria 2020. Collection method: clinical testing. Allele origin: inherited. Observed: 1 heterozygote. Study: CSER-NYCKidSeq.